The following is an entry in ClinVar:

NM_012062.5(DNM1L):c.251-3C>T

Gene: DNM1L (dynamin 1 like; plus strand). Cytogenetic location: 12p11.21.
Variant type: single nucleotide variant.
Coding change: c.251-3C>T on transcript NM_012062.5 (MANE Select); 3 bases into the intron before coding-DNA position 251, C replaced by T.
Molecular consequence: intron variant.
Genome position (GRCh38, 1-based): chr12:32,707,364, C>T. VCF-style: chr12-32707364-C-T. GRCh37 (hg19) VCF-style: chr12-32860298-C-T.
Other names: c.290-3C>T (NM_001278464.2, NM_001278465.2, NM_001330380.2); c.85-3C>T (NM_001278466.2); c.251-3C>T (NM_001278463.2, NM_012063.4, NM_005690.5).
Identifiers: ClinVar variation 1347427 (VCV001347427.6), dbSNP rs1168372968, ClinGen allele CA604223751.
Genomic context (GRCh38, chr12:32,707,364, plus strand): 5'-GAATTCCTAAAGATAAAAAGTAGTTTCCATAGTTTCCAATAAATGAGTTTTTCTTTTTTC[C>T]AGGGGTGGAAGCAGAAGAATGGGGTAAATTTCTTCACACCAAAAATAAGGTAATCACACA-3'

ClinVar aggregate classification (germline): Uncertain significance (1 of 4 stars; one submission).

Allele frequency attached by ClinVar (database versions not stated): gnomAD exomes below 0.00001; gnomAD 0.00001.
gnomAD v4.1: 5 of 1,601,946 alleles (0.00031%); highest among the groups gnomAD compares: Admixed American, 0.0034%; no homozygotes.

Submission:

Labcorp Genetics (formerly Invitae), Labcorp
Classification: Uncertain significance. Last evaluated: 2024-11-04. Review status: criteria provided, single submitter. Criteria: Invitae Variant Classification Sherloc (09022015). Collection method: clinical testing. Allele origin: germline.
Comment: This sequence change falls in intron 2 of the DNM1L gene. It does not directly change the encoded amino acid sequence of the DNM1L protein. It affects a nucleotide within the consensus splice site. This variant is present in population databases (no rsID available, gnomAD 0.003%). This variant has not been reported in the literature in individuals affected with DNM1L-related conditions. ClinVar contains an entry for this variant (Variation ID: 1347427). Variants that disrupt the consensus splice site are a relatively common cause of aberrant splicing (PMID: 17576681, 9536098). Algorithms developed to predict the effect of sequence changes on RNA splicing suggest that this variant is not likely to affect RNA splicing. In summary, the available evidence is currently insufficient to determine the role of this variant in disease. Therefore, it has been classified as a Variant of Uncertain Significance.

Literature cited by the submitters: PubMed 17576681; PubMed 9536098.